The following is an entry in ClinVar:

ClinVar aggregate classification (germline): Likely benign (1 of 4 stars; one submission).

gnomAD v4.1: 1 of 1,217,118 alleles (0.000082%); highest among the groups gnomAD compares: Non-Finnish European, 0.00011%; no homozygotes.

Submission:

Dasa
Classification: Likely benign. Last evaluated: 2025-11-08. Review status: criteria provided, single submitter. Criteria: DASA Assertion Criteria. Collection method: clinical testing. Allele origin: germline.
Comment: NM_001257198.2(CUL3):c.28A>C (p.Ser10Arg) is a missense variant that results in the substitution of serine with arginine. The variant context is inconsistent with a known disease-causing mechanism. Computational prediction algorithms are consistent with a benign effect. Therefore, based on the currently available evidence, this variant is classified as likely benign.

NM_003590.5(CUL3):c.67-11889A>C

Gene: CUL3 (cullin 3; minus strand). Cytogenetic location: 2q36.2.
Variant type: single nucleotide variant.
Coding change: c.67-11889A>C on transcript NM_003590.5 (MANE Select); 11889 bases into the intron before coding-DNA position 67, A replaced by C.
Molecular consequence: intron variant. On other transcripts: missense variant (1).
Genome position (GRCh38, 1-based): chr2:224,569,745, T>G on the plus strand (A>C on the coding strand, the complement: CUL3 is on the minus strand). VCF-style: chr2-224569745-T-G. GRCh37 (hg19) VCF-style: chr2-225434462-T-G.
Other names: c.28A>C, p.Ser10Arg (NM_001257198.2); c.66+15199A>C (NM_001257197.2); short protein forms S10R.
Identifiers: ClinVar variation 4856950 (VCV004856950.2).